The following is an entry in ClinVar:

NM_000036.3(AMPD1):c.788G>A (p.Arg263His)

Gene: AMPD1 (adenosine monophosphate deaminase 1; minus strand). Cytogenetic location: 1p13.2.
Variant type: single nucleotide variant.
Coding change: c.788G>A on transcript NM_000036.3 (MANE Select); coding-DNA position 788, G replaced by A.
Protein change: p.Arg263His; replaces arginine 263 with histidine.
Molecular consequence: missense variant.
Genome position (GRCh38, 1-based): chr1:114,679,688, C>T on the plus strand (G>A on the coding strand, the complement: AMPD1 is on the minus strand). VCF-style: chr1-114679688-C-T. GRCh37 (hg19) VCF-style: chr1-115222309-C-T.
Other names: c.887G>A (NM_000036.2); c.776G>A, p.Arg259His (NM_001172626.2); short protein forms R259H, R263H.
Identifiers: ClinVar variation 2068373 (VCV002068373.8), dbSNP rs775559099, ClinGen allele CA1020301.

ClinVar aggregate classification (germline): Uncertain significance. Review status: criteria provided, multiple submitters, no conflicts (2 of 4 stars). 4 submissions from 4 submitters: Uncertain significance (4). Last evaluated 2023-06-21.

Conditions:
Inborn genetic diseases. Identifiers: MedGen C0950123, MeSH D030342.
Muscle AMP deaminase deficiency (MMDD). Also called: ADENOSINE MONOPHOSPHATE DEAMINASE-1 DEFICIENCY, MYOPATHY DUE TO; Myoadenylate deaminase deficiency, myopathy due to; Adenosine monophosphate deaminase 1 deficiency; AMP deaminase 1 deficiency; Adenosine Monophosphate Deaminase 1; AMPD1 DEFICIENCY. Identifiers: Orphanet 45, MedGen C3714933, MONDO:0014220, OMIM 615511.

Allele frequency attached by ClinVar (database versions not stated): ExAC 0.00001; gnomAD 0.00003; TOPMed 0.00003.

Submissions (4):

Ambry Genetics
Classification: Uncertain significance for Inborn genetic diseases. Last evaluated: 2023-06-21. Review status: criteria provided, single submitter. Criteria: Ambry Variant Classification Scheme 2023. Collection method: clinical testing. Allele origin: germline.

Labcorp Genetics (formerly Invitae), Labcorp
Classification: Uncertain significance for Muscle AMP deaminase deficiency. Last evaluated: 2023-04-26. Review status: criteria provided, single submitter. Criteria: Invitae Variant Classification Sherloc (09022015). Collection method: clinical testing. Allele origin: germline.
Comment: ClinVar contains an entry for this variant (Variation ID: 2068373). In summary, the available evidence is currently insufficient to determine the role of this variant in disease. Therefore, it has been classified as a Variant of Uncertain Significance. An algorithm developed to predict the effect of missense changes on protein structure and function (PolyPhen-2) suggests that this variant is likely to be disruptive. This variant has not been reported in the literature in individuals affected with AMPD1-related conditions. This variant is present in population databases (rs775559099, gnomAD 0.007%). This sequence change replaces arginine, which is basic and polar, with histidine, which is basic and polar, at codon 296 of the AMPD1 protein (p.Arg296His).

Blueprint Genetics
Classification: Uncertain significance. Last evaluated: 2022-11-11. Review status: criteria provided, single submitter. Criteria: ACMG Guidelines, 2015. Collection method: clinical testing. Allele origin: germline.

Revvity Omics, Revvity
Classification: Uncertain significance for Muscle AMP deaminase deficiency. Last evaluated: 2019-08-28. Review status: criteria provided, single submitter. Criteria: ACMG Guidelines, 2015. Collection method: clinical testing. Allele origin: germline.